The following is an entry in ClinVar:

ClinVar aggregate classification (germline): Uncertain significance (1 of 4 stars; one submission).

Submission:

Labcorp Genetics (formerly Invitae), Labcorp
Classification: Uncertain significance. Last evaluated: 2024-10-02. Review status: criteria provided, single submitter. Criteria: Invitae Variant Classification Sherloc (09022015). Collection method: clinical testing. Allele origin: germline.
Comment: This sequence change replaces proline, which is neutral and non-polar, with leucine, which is neutral and non-polar, at codon 416 of the PCK2 protein (p.Pro416Leu). This variant is not present in population databases (gnomAD no frequency). This variant has not been reported in the literature in individuals affected with PCK2-related conditions. Invitae Evidence Modeling of protein sequence and biophysical properties (such as structural, functional, and spatial information, amino acid conservation, physicochemical variation, residue mobility, and thermodynamic stability) indicates that this missense variant is not expected to disrupt PCK2 protein function with a negative predictive value of 80%. In summary, the available evidence is currently insufficient to determine the role of this variant in disease. Therefore, it has been classified as a Variant of Uncertain Significance.

NM_004563.4(PCK2):c.1247C>T (p.Pro416Leu)

Genes: NRL (neural retina leucine zipper; minus strand), PCK2 (phosphoenolpyruvate carboxykinase 2, mitochondrial; plus strand). Cytogenetic location: 14q12.
Variant type: single nucleotide variant.
Coding change: c.1247C>T on transcript NM_004563.4 (MANE Select); coding-DNA position 1247, C replaced by T.
Protein change: p.Pro416Leu; replaces proline 416 with leucine.
Molecular consequence: missense variant. On other transcripts: intron variant (3).
Genome position (GRCh38, 1-based): chr14:24,102,765, C>T. VCF-style: chr14-24102765-C-T. GRCh37 (hg19) VCF-style: chr14-24571974-C-T.
Other names: c.845C>T, p.Pro282Leu (NM_001291556.2, NM_001308054.2); c.-28+11957G>A (NM_001354768.3, NM_001354770.2); c.-254+11957G>A (NM_006177.5); short protein forms P416L, P282L.
Identifiers: ClinVar variation 3658900 (VCV003658900.2).
Genomic context (GRCh38, chr14:24,102,765, plus strand): 5'-GGGTCGACATGACCTTGGAAATAATAGTGTTTGTATTTCCTCTGCCAGGTGACAAGGAGC[C>T]CTGTGCACATCCCAACTCTCGATTTTGTGCCCCGGCTCGCCAGTGCCCCATCATGGACCC-3'
Protein context (NP_004554.3, residues 406-426): GKPWKPGDKE[Pro416Leu]CAHPNSRFCA